The following is an entry in ClinVar:

NM_032608.7(MYO18B):c.1245del (p.Cys416fs)

Gene: MYO18B (myosin XVIIIB; plus strand). Cytogenetic location: 22q12.1.
Variant type: Deletion.
Coding change: c.1245del on transcript NM_032608.7 (MANE Select); coding-DNA position 1245, one base deleted (C; older notation c.1245delC).
Protein change: p.Cys416fs; shifts the reading frame from cysteine 416.
Molecular consequence: frameshift variant.
Genome position (GRCh38, 1-based): chr22:25,769,161, C deleted. VCF-style (leftmost placement, unchanged base first): chr22-25769160-GC-G. GRCh37 (hg19) VCF-style: chr22-26165127-GC-G.
Other names: c.1245del, p.Cys416fs (NM_001318245.2); short protein forms C416fs.
Identifiers: ClinVar variation 4731254 (VCV004731254.1).

ClinVar aggregate classification (germline): Pathogenic (1 of 4 stars; one submission).

Submission:

Labcorp Genetics (formerly Invitae), Labcorp
Classification: Pathogenic. Last evaluated: 2025-11-18. Review status: criteria provided, single submitter. Criteria: Invitae Variant Classification Sherloc (09022015). Collection method: clinical testing. Allele origin: germline.
Comment: This sequence change creates a premature translational stop signal (p.Cys416Valfs*7) in the MYO18B gene. It is expected to result in an absent or disrupted protein product. Loss-of-function variants in MYO18B are known to be pathogenic (PMID: 25748484, 32184166, 32637634). This variant is not present in population databases (gnomAD no frequency). This variant has not been reported in the literature in individuals affected with MYO18B-related conditions. For these reasons, this variant has been classified as Pathogenic.

Literature cited by the submitters: PubMed 25748484; PubMed 32184166; PubMed 32637634.